The following is an entry in ClinVar:

ClinVar aggregate classification (germline): Uncertain significance. Review status: criteria provided, multiple submitters, no conflicts (2 of 4 stars). 3 submissions from 3 submitters: Uncertain significance (3). Last evaluated 2022-05-25.

Conditions:
Porphobilinogen synthase deficiency. Also called: ALAD DEFICIENCY; DELTA-AMINOLEVULINATE DEHYDRATASE DEFICIENCY; DOSS PORPHYRIA; PORPHYRIA, ALAD; Porphyria due to ALA dehydratase deficiency. Identifiers: Orphanet 100924, MedGen C0268328, MONDO:0013000, OMIM 612740.

Allele frequency attached by ClinVar (database versions not stated): TOPMed 0.00009; gnomAD 0.00015 and 0.00016; ExAC 0.00021; gnomAD exomes 0.00029 and 0.00018; ESP Exome Variant Server 0.00015.
gnomAD v4.1: 286 of 1,614,062 alleles (0.018%); highest among the groups gnomAD compares: Middle Eastern, 0.082%; no homozygotes.

Submissions (3):

Labcorp Genetics (formerly Invitae), Labcorp
Classification: Uncertain significance. Last evaluated: 2022-05-25. Review status: criteria provided, single submitter. Criteria: Invitae Variant Classification Sherloc (09022015). Collection method: clinical testing. Allele origin: germline.
Comment: This sequence change replaces valine, which is neutral and non-polar, with isoleucine, which is neutral and non-polar, at codon 242 of the ALAD protein (p.Val242Ile). This variant is present in population databases (rs200180791, gnomAD 0.1%). This missense change has been observed in individual(s) with Œ¥-Aminolevulinic acid dehydratase deficiency porphyria (PMID: 33199206). ClinVar contains an entry for this variant (Variation ID: 364643). Algorithms developed to predict the effect of missense changes on protein structure and function output the following: SIFT: "Tolerated"; PolyPhen-2: "Benign"; Align-GVGD: "Class C0". The isoleucine amino acid residue is found in multiple mammalian species, which suggests that this missense change does not adversely affect protein function. In summary, the available evidence is currently insufficient to determine the role of this variant in disease. Therefore, it has been classified as a Variant of Uncertain Significance.

Department of Pathology and Laboratory Medicine, Sinai Health System
Classification: Uncertain significance for porphyria due to ALA dehydratase deficiency. Last evaluated: 2022-05-06. Review status: criteria provided, single submitter. Criteria: ACMG Guidelines, 2015. Collection method: research. Allele origin: germline.

Illumina Laboratory Services, Illumina
Classification: Uncertain significance for Porphobilinogen synthase deficiency. Last evaluated: 2018-01-12. Review status: criteria provided, single submitter. Criteria: ICSL Variant Classification Criteria 13 December 2019. Collection method: clinical testing. Allele origin: germline.

Literature cited by the submitters: PubMed 33199206 (cited by Labcorp Genetics (formerly Invitae), Labcorp).

NM_000031.6(ALAD):c.724G>A (p.Val242Ile)

Gene: ALAD (aminolevulinate dehydratase; minus strand). Cytogenetic location: 9q32.
Variant type: single nucleotide variant.
Coding change: c.724G>A on transcript NM_000031.6 (MANE Select); coding-DNA position 724, G replaced by A.
Protein change: p.Val242Ile; replaces valine 242 with isoleucine.
Molecular consequence: missense variant.
Genome position (GRCh38, 1-based): chr9:113,389,515, C>T on the plus strand (G>A on the coding strand, the complement: ALAD is on the minus strand). VCF-style: chr9-113389515-C-T. GRCh37 (hg19) VCF-style: chr9-116151795-C-T.
Other names: c.811G>A, p.Val271Ile (NM_001003945.3); c.700G>A, p.Val234Ile (NM_001317745.2); short protein forms V242I, V234I, V271I.
Identifiers: ClinVar variation 364643 (VCV000364643.9), dbSNP rs200180791, ClinGen allele CA5196374.
Genomic context (GRCh38, chr9:113,389,515, plus strand): 5'-GCACGATGTCCAGGTAGGGCATTCCCGGCTTCACCATGAGCATGTCAGCTCCTTCCCGTA[C>T]ATCCCGGTCCTAAGGGATGAGGGTATAATGTGGGTGGTGCCTAGGAGGGGGCTGAGGGTG-3'
Protein context (NP_000022.3, residues 232-252): GLALRAVDRD[Val242Ile]REGADMLMVK